The following is an entry in ClinVar:

ClinVar aggregate classification (germline): Likely benign (1 of 4 stars; one submission).

Submission:

CeGaT Center for Human Genetics Tuebingen
Classification: Likely benign. Last evaluated: 2025-08-01. Review status: criteria provided, single submitter. Criteria: CeGaT Center For Human Genetics Tuebingen Variant Classification Criteria Version 2. Collection method: clinical testing. Allele origin: germline. Affected: yes. Observed: 1 variant allele.
Comment: ALK: PM2:Supporting, BP4, BP7

NM_004304.5(ALK):c.621A>G (p.Ala207=)

Gene: ALK (ALK receptor tyrosine kinase; minus strand). Cytogenetic location: 2p23.1.
Variant type: single nucleotide variant.
Coding change: c.621A>G on transcript NM_004304.5 (MANE Select); coding-DNA position 621, A replaced by G.
Protein change: p.Ala207=; no amino-acid change (alanine 207 retained).
Molecular consequence: synonymous variant.
Genome position (GRCh38, 1-based): chr2:29,920,039, T>C on the plus strand (A>G on the coding strand, the complement: ALK is on the minus strand). VCF-style: chr2-29920039-T-C. GRCh37 (hg19) VCF-style: chr2-30142905-T-C.
Identifiers: ClinVar variation 4084180 (VCV004084180.8).
Genomic context (GRCh38, chr2:29,920,039, plus strand): 5'-CGGGAGCTGCTCACCAGTCCCGAAGATCTGGAAGAGAAGGCGGGGCTGGGAGGCGCGAAT[T>C]GCCGCGGACAGCCTTCCCTCTCTGCCCACTTCCGACGCCTTCTTCTCGGGCATCAGGCGG-3'
Protein context (NP_004295.2, residues 197-217): EVGREGRLSA[Ala207=]IRASQPRLLF